The following is an entry in ClinVar:

ClinVar aggregate classification (germline): Uncertain significance (1 of 4 stars; one submission).

Submission:

Labcorp Genetics (formerly Invitae), Labcorp
Classification: Uncertain significance. Last evaluated: 2024-07-16. Review status: criteria provided, single submitter. Criteria: Invitae Variant Classification Sherloc (09022015). Collection method: clinical testing. Allele origin: germline.
Comment: This sequence change replaces leucine, which is neutral and non-polar, with valine, which is neutral and non-polar, at codon 454 of the CAMK2B protein (p.Leu454Val). This variant is not present in population databases (gnomAD no frequency). This variant has not been reported in the literature in individuals affected with CAMK2B-related conditions. An algorithm developed to predict the effect of missense changes on protein structure and function (PolyPhen-2) suggests that this variant is likely to be tolerated. In summary, the available evidence is currently insufficient to determine the role of this variant in disease. Therefore, it has been classified as a Variant of Uncertain Significance.

NM_001220.5(CAMK2B):c.1360C>G (p.Leu454Val)

Gene: CAMK2B (calcium/calmodulin dependent protein kinase II beta; minus strand). Cytogenetic location: 7p13.
Variant type: single nucleotide variant.
Coding change: c.1360C>G on transcript NM_001220.5 (MANE Select); coding-DNA position 1360, C replaced by G.
Protein change: p.Leu454Val; replaces leucine 454 with valine.
Molecular consequence: missense variant. On other transcripts: intron variant (8).
Genome position (GRCh38, 1-based): chr7:44,228,904, G>C on the plus strand (C>G on the coding strand, the complement: CAMK2B is on the minus strand). VCF-style: chr7-44228904-G-C. GRCh37 (hg19) VCF-style: chr7-44268503-G-C.
Other names: c.1108+2102C>G (NM_172081.3); c.1153+2102C>G (NM_172079.3, NM_172082.3); c.1225+2102C>G (NM_001293170.2, NM_172078.3); c.947-8003C>G (NM_172084.3); c.1150+2102C>G (NM_172080.3); c.1036+2102C>G (NM_172083.3); short protein forms L454V.
Identifiers: ClinVar variation 3642638 (VCV003642638.2).